The following is an entry in ClinVar:

ClinVar aggregate classification (germline): Uncertain significance (1 of 4 stars; one submission).

Submission:

Labcorp Genetics (formerly Invitae), Labcorp
Classification: Uncertain significance. Last evaluated: 2025-10-06. Review status: criteria provided, single submitter. Criteria: Invitae Variant Classification Sherloc (09022015). Collection method: clinical testing. Allele origin: germline.
Comment: This sequence change replaces glutamic acid, which is acidic and polar, with glutamine, which is neutral and polar, at codon 258 of the AUTS2 protein (p.Glu258Gln). This variant is not present in population databases (gnomAD no frequency). This variant has not been reported in the literature in individuals affected with AUTS2-related conditions. ClinVar contains an entry for this variant (Variation ID: 3664377). Invitae Evidence Modeling of protein sequence and biophysical properties (such as structural, functional, and spatial information, amino acid conservation, physicochemical variation, residue mobility, and thermodynamic stability) indicates that this missense variant is not expected to disrupt AUTS2 protein function with a negative predictive value of 80%. In summary, the available evidence is currently insufficient to determine the role of this variant in disease. Therefore, it has been classified as a Variant of Uncertain Significance.

NM_015570.4(AUTS2):c.772G>C (p.Glu258Gln)

Gene: AUTS2 (activator of transcription and developmental regulator AUTS2; plus strand). Cytogenetic location: 7q11.22.
Variant type: single nucleotide variant.
Coding change: c.772G>C on transcript NM_015570.4 (MANE Select); coding-DNA position 772, G replaced by C.
Protein change: p.Glu258Gln; replaces glutamic acid 258 with glutamine.
Molecular consequence: missense variant.
Genome position (GRCh38, 1-based): chr7:70,762,899, G>C. VCF-style: chr7-70762899-G-C. GRCh37 (hg19) VCF-style: chr7-70227885-G-C.
Other names: c.772G>C, p.Glu258Gln (NM_001127231.3); short protein forms E258Q.
Identifiers: ClinVar variation 3664377 (VCV003664377.2).